The following is an entry in ClinVar:

ClinVar aggregate classification (germline): Uncertain significance (1 of 4 stars; one submission).

Conditions:
Hereditary cancer-predisposing syndrome. Also called: Hereditary neoplastic syndrome; Neoplastic Syndromes, Hereditary; Tumor predisposition; Hereditary Cancer Syndrome. Identifiers: Orphanet 140162, MedGen C0027672, MeSH D009386, MONDO:0015356.

Submission:

Ambry Genetics
Classification: Uncertain significance for Hereditary cancer-predisposing syndrome. Last evaluated: 2025-06-18. Review status: criteria provided, single submitter. Criteria: Ambry Variant Classification Scheme 2023. Collection method: clinical testing. Allele origin: germline.
Comment: The p.R1823G variant (also known as c.5467C>G), located in coding exon 40 of the POLE gene, results from a C to G substitution at nucleotide position 5467. The arginine at codon 1823 is replaced by glycine, an amino acid with dissimilar properties. This amino acid position is highly conserved in available vertebrate species. In addition, this alteration is predicted to be deleterious by in silico analysis. Based on the available evidence, the clinical significance of this variant remains unclear.

NM_006231.4(POLE):c.5467C>G (p.Arg1823Gly)

Gene: POLE (DNA polymerase epsilon, catalytic subunit; minus strand). Cytogenetic location: 12q24.33.
Variant type: single nucleotide variant.
Coding change: c.5467C>G on transcript NM_006231.4 (MANE Select); coding-DNA position 5467, C replaced by G.
Protein change: p.Arg1823Gly; replaces arginine 1823 with glycine.
Molecular consequence: missense variant.
Genome position (GRCh38, 1-based): chr12:132,639,210, G>C on the plus strand (C>G on the coding strand, the complement: POLE is on the minus strand). VCF-style: chr12-132639210-G-C. GRCh37 (hg19) VCF-style: chr12-133215796-G-C.
Other names: short protein forms R1823G.
Identifiers: ClinVar variation 4141111 (VCV004141111.1).